The following is an entry in ClinVar:

ClinVar aggregate classification (germline): Likely pathogenic. Review status: criteria provided, multiple submitters, no conflicts (2 of 4 stars). 2 submissions from 2 submitters: Likely pathogenic (2). Last evaluated 2019-09-26.

Conditions:
Maturity-onset diabetes of the young (MODY). Also called: Maturity onset diabetes mellitus in young. Identifiers: Orphanet 552, MedGen C0342276, MONDO:0018911, HP:0004904.
Maturity-onset diabetes of the young type 3. Also called: MODY type 3; MODY, type III. Identifiers: Orphanet 552, MedGen C1838100, MeSH C563933, MONDO:0010894, OMIM 600496. Disease mechanism: loss of function.

Allele frequency attached by ClinVar (database versions not stated): gnomAD exomes below 0.00001.
gnomAD v4.1: 1 of 1,613,584 alleles (0.000062%); highest among the groups gnomAD compares: African/African-American, 0.0013%; no homozygotes.

Submissions (2):

Centre for Mendelian Genomics, University Medical Centre Ljubljana
Classification: Likely pathogenic for Maturity-onset diabetes of the young type 3. Last evaluated: 2019-09-26. Review status: criteria provided, single submitter. Criteria: ACMG Guidelines, 2015. Collection method: clinical testing. Allele origin: unknown. Affected: yes.
Comment: This variant was classified as: Likely pathogenic. The following ACMG criteria were applied in classifying this variant: PVS1,PM2.

Clinical Genomics, Uppaluri K&H Personalized Medicine Clinic
Classification: Likely pathogenic for Maturity-onset diabetes of the young. Review status: criteria provided, single submitter. Criteria: K & H Uppaluri Personalized Medicine Clinic Variant Classification & Assertion Criteria_Updated V.1. Collection method: research. Allele origin: unknown. Inheritance: Autosomal dominant inheritance.
Comment: Mutations in HNF1A gene can predispose to MODY3. It is associated with both micro and macrovascular complications of diabetes, especially cardiovascular complications. Associated with glucosuria. May respond well to sulfonylureas. However, more evidence is required to confer the association of this particular variant rs1877309778 with MODY3.

Literature cited by the submitters: PubMed 31517624 (cited by Clinical Genomics, Uppaluri K&H Personalized Medicine Clinic); PubMed 32395877 (cited by Clinical Genomics, Uppaluri K&H Personalized Medicine Clinic); PubMed 35328643 (cited by Clinical Genomics, Uppaluri K&H Personalized Medicine Clinic); PubMed 35673428 (cited by Clinical Genomics, Uppaluri K&H Personalized Medicine Clinic).

NM_000545.8(HNF1A):c.1624-2A>G

Gene: HNF1A (HNF1 homeobox A; plus strand). Cytogenetic location: 12q24.31.
Variant type: single nucleotide variant.
Coding change: c.1624-2A>G on transcript NM_000545.8 (MANE Select); the canonical splice acceptor site of the intron before coding-DNA position 1624, A replaced by G.
Molecular consequence: splice acceptor variant. On other transcripts: missense variant (1).
Genome position (GRCh38, 1-based): chr12:120,999,481, A>G. VCF-style: chr12-120999481-A-G. GRCh37 (hg19) VCF-style: chr12-121437284-A-G.
Other names: c.1643A>G, p.Gln548Arg (NM_001306179.2); c.1432-2A>G (NM_001406915.1); short protein forms Q548R.
Identifiers: ClinVar variation 931202 (VCV000931202.4), dbSNP rs1877309778, ClinGen allele CA386972730.
Genomic context (GRCh38, chr12:120,999,481, plus strand): 5'-CCTGTGACAGAGCCCCTCACCCCCACATCCCCCGGGCTCAGGAGGCTGCTCTGCTCCCCC[A>G]GGTCTTCACCTCAGACACTGAGGCCTCCAGTGAGTCCGGGCTTCACACGCCGGCATCTCA-3'